The following is an entry in ClinVar:

NM_001278512.2(AP3B2):c.1378+3C>A

Genes: AP3B2 (adaptor related protein complex 3 subunit beta 2; minus strand), CPEB1-AS1 (CPEB1 antisense RNA 1; plus strand). Cytogenetic location: 15q25.2.
Variant type: single nucleotide variant.
Coding change: c.1378+3C>A on transcript NM_001278512.2 (MANE Select); 3 bases into the intron after coding-DNA position 1378, C replaced by A.
Molecular consequence: intron variant.
Genome position (GRCh38, 1-based): chr15:82,677,668, G>T on the plus strand (C>A on the coding strand, the complement: AP3B2 is on the minus strand). VCF-style: chr15-82677668-G-T. GRCh37 (hg19) VCF-style: chr15-83346420-G-T.
Other names: c.1282+3C>A (NM_001278511.2); c.1378+3C>A (NM_004644.5).
Identifiers: ClinVar variation 1384042 (VCV001384042.6), dbSNP rs541722611, ClinGen allele CA7700240.

ClinVar aggregate classification (germline): Uncertain significance (1 of 4 stars; one submission).

Allele frequency attached by ClinVar (database versions not stated): gnomAD exomes 0.00001 and 0.00002; gnomAD 0.00003; ExAC 0.00010; 1000 Genomes Project 30x 0.00031; 1000 Genomes Project 0.00040.
gnomAD v4.1: 20 of 1,538,414 alleles (0.0013%); highest among the groups gnomAD compares: South Asian, 0.024%; no homozygotes.

Submission:

Labcorp Genetics (formerly Invitae), Labcorp
Classification: Uncertain significance. Last evaluated: 2021-11-29. Review status: criteria provided, single submitter. Criteria: Invitae Variant Classification Sherloc (09022015). Collection method: clinical testing. Allele origin: germline.
Comment: Variants that disrupt the consensus splice site are a relatively common cause of aberrant splicing (PMID: 17576681, 9536098). Algorithms developed to predict the effect of sequence changes on RNA splicing suggest that this variant is not likely to affect RNA splicing. In summary, the available evidence is currently insufficient to determine the role of this variant in disease. Therefore, it has been classified as a Variant of Uncertain Significance. This variant has not been reported in the literature in individuals affected with AP3B2-related conditions. The frequency data for this variant in the population databases is considered unreliable, as metrics indicate poor data quality at this position in the gnomAD database. This sequence change falls in intron 12 of the AP3B2 gene. It does not directly change the encoded amino acid sequence of the AP3B2 protein. It affects a nucleotide within the consensus splice site.

Literature cited by the submitters: PubMed 17576681; PubMed 9536098.